The following is an entry in ClinVar:

NM_001918.5(DBT):c.1382C>G (p.Ser461Ter)

Gene: DBT (dihydrolipoamide branched chain transacylase E2; minus strand). Cytogenetic location: 1p21.2.
Variant type: single nucleotide variant.
Coding change: c.1382C>G on transcript NM_001918.5 (MANE Select); coding-DNA position 1382, C replaced by G.
Protein change: p.Ser461Ter; replaces serine 461 with a stop codon.
Molecular consequence: nonsense. On other transcripts: non-coding transcript variant (4).
Genome position (GRCh38, 1-based): chr1:100,196,322, G>C on the plus strand (C>G on the coding strand, the complement: DBT is on the minus strand). VCF-style: chr1-100196322-G-C. GRCh37 (hg19) VCF-style: chr1-100661878-G-C.
Other names: c.839C>G, p.Ser280Ter (NM_001399969.1, NM_001399972.1); short protein forms S280*, S461*.
Identifiers: ClinVar variation 5003636 (VCV005003636.1).

ClinVar aggregate classification (germline): Pathogenic (1 of 4 stars; one submission).

Conditions:
Maple syrup urine disease type 2 (MSUD2). Also called: Maple syrup urine disease, type II. Identifiers: MedGen C1855371, MONDO:0023693, OMIM 620699.

Submission:

Myriad Genetics, Inc.
Classification: Pathogenic for Maple syrup urine disease type 2. Last evaluated: 2025-10-29. Review status: criteria provided, single submitter. Criteria: Myriad Autosomal Dominant, Autosomal Recessive and X-Linked Classification Criteria (2023). Collection method: clinical testing. Allele origin: unknown.
Comment: NM_001918.3(DBT):c.1382C>G(S461*) is a nonsense variant classified as pathogenic in the context of maple syrup urine disease type II. S461* has been observed in cases with relevant disease (PMID: 30228974). Relevant functional assessments of this variant are not available in the literature. Internal structural analysis of the variant is supportive of pathogenicity. S461* has not been observed in referenced population frequency databases. In summary, NM_001918.3(DBT):c.1382C>G(S461*) is a nonsense variant that has functional support for pathogenicity and has been observed more frequently in cases with the relevant disease than in healthy populations. Please note: this variant was assessed in the context of healthy population screening.

Literature cited by the submitters: PubMed 30228974.